The following is an entry in ClinVar:

ClinVar aggregate classification (germline): Uncertain significance (1 of 4 stars; one submission).

Submission:

Labcorp Genetics (formerly Invitae), Labcorp
Classification: Uncertain significance. Last evaluated: 2021-11-21. Review status: criteria provided, single submitter. Criteria: Invitae Variant Classification Sherloc (09022015). Collection method: clinical testing. Allele origin: germline.
Comment: This sequence change replaces phenylalanine, which is neutral and non-polar, with leucine, which is neutral and non-polar, at codon 380 of the CNGA3 protein (p.Phe380Leu). This variant is not present in population databases (gnomAD no frequency). This variant has not been reported in the literature in individuals affected with CNGA3-related conditions. Advanced modeling of protein sequence and biophysical properties (such as structural, functional, and spatial information, amino acid conservation, physicochemical variation, residue mobility, and thermodynamic stability) performed at Invitae indicates that this missense variant is expected to disrupt CNGA3 protein function. In summary, the available evidence is currently insufficient to determine the role of this variant in disease. Therefore, it has been classified as a Variant of Uncertain Significance.

NM_001298.3(CNGA3):c.1138T>C (p.Phe380Leu)

Gene: CNGA3 (cyclic nucleotide gated channel subunit alpha 3; plus strand). Cytogenetic location: 2q11.2.
Variant type: single nucleotide variant.
Coding change: c.1138T>C on transcript NM_001298.3 (MANE Select); coding-DNA position 1138, T replaced by C.
Protein change: p.Phe380Leu; replaces phenylalanine 380 with leucine.
Molecular consequence: missense variant.
Genome position (GRCh38, 1-based): chr2:98,396,308, T>C. VCF-style: chr2-98396308-T-C. GRCh37 (hg19) VCF-style: chr2-99012771-T-C.
Other names: c.1084T>C, p.Phe362Leu (NM_001079878.2); short protein forms F362L, F380L.
Identifiers: ClinVar variation 1447118 (VCV001447118.6), dbSNP rs2104247060, ClinGen allele CA347832909.